The following is an entry in ClinVar:

ClinVar aggregate classification (germline): Pathogenic (1 of 4 stars; one submission).

Conditions:
Cornelia de Lange syndrome 1 (CDLS1). Also called: TYPUS DEGENERATIVUS AMSTELODAMENSIS; Brachmann de Lange syndrome; NIPBL-Related Cornelia de Lange Syndrome. Identifiers: Orphanet 199, MedGen C4551851, MONDO:0007387, OMIM 122470.

Submission:

Labcorp Genetics (formerly Invitae), Labcorp
Classification: Pathogenic for Cornelia de Lange syndrome 1. Last evaluated: 2018-05-19. Review status: criteria provided, single submitter. Criteria: Invitae Variant Classification Sherloc (09022015). Collection method: clinical testing. Allele origin: germline.
Comment: This sequence change creates a premature translational stop signal (p.Ala2338Valfs*8) in the NIPBL gene. It is expected to result in an absent or disrupted protein product. This variant is not present in population databases (ExAC no frequency). This variant has not been reported in the literature in individuals with NIPBL-related disease. Algorithms developed to predict the effect of sequence changes on RNA splicing suggest that this variant may create or strengthen a splice site, but this prediction has not been confirmed by published transcriptional studies. Loss-of-function variants in NIPBL are known to be pathogenic (PMID: 24038889). For these reasons, this variant has been classified as Pathogenic.

Literature cited by the submitters: PubMed 24038889.

NM_133433.4(NIPBL):c.7013del (p.Ala2338fs)

Gene: NIPBL (NIPBL cohesin loading factor; plus strand). Cytogenetic location: 5p13.2.
Variant type: Deletion.
Coding change: c.7013del on transcript NM_133433.4 (MANE Select); coding-DNA position 7013, one base deleted (C; older notation c.7013delC).
Protein change: p.Ala2338fs; shifts the reading frame from alanine 2338.
Molecular consequence: frameshift variant.
Genome position (GRCh38, 1-based): chr5:37,051,837, C deleted. VCF-style (leftmost placement, unchanged base first): chr5-37051836-GC-G. GRCh37 (hg19) VCF-style: chr5-37051938-GC-G.
Other names: c.7013del, p.Ala2338fs (NM_015384.5); short protein forms A2338fs.
Identifiers: ClinVar variation 1075092 (VCV001075092.7), dbSNP rs2149741562, ClinGen allele CA2499217845.
Genomic context (GRCh38, chr5:37,051,836, plus strand): 5'-CAGTGTGTGCCATATTTAATTGCTATGGGCACAGACCCAGAACCTGCTATGCGGAACAAG[GC>G]TGATCAGCAACTTGTGGAAATAGACAAAAAATATGCTGGATTCATTCATGTATGTATTTT-3'